The following is an entry in ClinVar:

ClinVar aggregate classification (germline): Uncertain significance (1 of 4 stars; one submission).

Conditions:
Spastic paraplegia. Identifiers: MedGen C0037772, HP:0001258.

Submission:

Labcorp Genetics (formerly Invitae), Labcorp
Classification: Uncertain significance for Spastic paraplegia. Last evaluated: 2022-04-26. Review status: criteria provided, single submitter. Criteria: Invitae Variant Classification Sherloc (09022015). Collection method: clinical testing. Allele origin: germline.
Comment: This sequence change replaces aspartic acid, which is acidic and polar, with histidine, which is basic and polar, at codon 830 of the SACS protein (p.Asp830His). This variant is not present in population databases (gnomAD no frequency). This variant has not been reported in the literature in individuals affected with SACS-related conditions. Advanced modeling of protein sequence and biophysical properties (such as structural, functional, and spatial information, amino acid conservation, physicochemical variation, residue mobility, and thermodynamic stability) performed at Invitae indicates that this missense variant is not expected to disrupt SACS protein function. In summary, the available evidence is currently insufficient to determine the role of this variant in disease. Therefore, it has been classified as a Variant of Uncertain Significance.

NM_014363.6(SACS):c.2488G>C (p.Asp830His)

Gene: SACS (sacsin molecular chaperone; minus strand). Cytogenetic location: 13q12.12.
Variant type: single nucleotide variant.
Coding change: c.2488G>C on transcript NM_014363.6 (MANE Select); coding-DNA position 2488, G replaced by C.
Protein change: p.Asp830His; replaces aspartic acid 830 with histidine.
Molecular consequence: missense variant.
Genome position (GRCh38, 1-based): chr13:23,341,388, C>G on the plus strand (G>C on the coding strand, the complement: SACS is on the minus strand). VCF-style: chr13-23341388-C-G. GRCh37 (hg19) VCF-style: chr13-23915527-C-G.
Other names: c.2047G>C, p.Asp683His (NM_001278055.2); short protein forms D830H, D683H.
Identifiers: ClinVar variation 2127761 (VCV002127761.1), dbSNP rs571646732, ClinGen allele CA387538923.